The following is an entry in ClinVar:

NM_003632.3(CNTNAP1):c.1162C>A (p.Arg388Ser)

Gene: CNTNAP1 (contactin associated protein 1; plus strand). Cytogenetic location: 17q21.2.
Variant type: single nucleotide variant.
Coding change: c.1162C>A on transcript NM_003632.3 (MANE Select); coding-DNA position 1162, C replaced by A.
Protein change: p.Arg388Ser; replaces arginine 388 with serine.
Molecular consequence: missense variant.
Genome position (GRCh38, 1-based): chr17:42,687,837, C>A. VCF-style: chr17-42687837-C-A. GRCh37 (hg19) VCF-style: chr17-40839855-C-A.
Other names: short protein forms R388S.
Identifiers: ClinVar variation 3773882 (VCV003773882.1).

ClinVar aggregate classification (germline): Uncertain significance (1 of 4 stars; one submission).

gnomAD v4.1: 1 of 1,614,238 alleles (0.000062%); highest among the groups gnomAD compares: Non-Finnish European, 0.000085%; no homozygotes.

Submission:

GeneDx
Classification: Uncertain significance. Last evaluated: 2024-09-24. Review status: criteria provided, single submitter. Criteria: GeneDx Variant Classification Process June 2021. Collection method: clinical testing. Allele origin: germline. Affected: yes.
Comment: Not observed at significant frequency in large population cohorts (gnomAD); In silico analysis indicates that this missense variant does not alter protein structure/function; Has not been previously published as pathogenic or benign to our knowledge